The following is an entry in ClinVar:

ClinVar aggregate classification (germline): Uncertain significance (1 of 4 stars; one submission).

Submission:

Ambry Genetics
Classification: Uncertain significance. Last evaluated: 2021-09-01. Review status: criteria provided, single submitter. Criteria: Ambry Variant Classification Scheme 2023. Collection method: clinical testing. Allele origin: germline.
Comment: The p.S80R variant (also known as c.240T>G), located in coding exon 4 of the BUB1 gene, results from a T to G substitution at nucleotide position 240. The serine at codon 80 is replaced by arginine, an amino acid with dissimilar properties. This amino acid position is conserved. In addition, this alteration is predicted to be tolerated by in silico analysis. Since supporting evidence is limited at this time, the clinical significance of this alteration remains unclear.

NM_004336.5(BUB1):c.240T>G (p.Ser80Arg)

Gene: BUB1 (BUB1 mitotic checkpoint serine/threonine kinase; minus strand). Cytogenetic location: 2q13.
Variant type: single nucleotide variant.
Coding change: c.240T>G on transcript NM_004336.5 (MANE Select); coding-DNA position 240, T replaced by G.
Protein change: p.Ser80Arg; replaces serine 80 with arginine.
Molecular consequence: missense variant.
Genome position (GRCh38, 1-based): chr2:110,672,843, A>C on the plus strand (T>G on the coding strand, the complement: BUB1 is on the minus strand). VCF-style: chr2-110672843-A-C. GRCh37 (hg19) VCF-style: chr2-111430420-A-C.
Other names: c.180T>G, p.Ser60Arg (NM_001278616.2); c.240T>G, p.Ser80Arg (NM_001278617.2); short protein forms S80R, S60R.
Identifiers: ClinVar variation 1790880 (VCV001790880.2), dbSNP rs1690459724, ClinGen allele CA348220725.